The following is an entry in ClinVar:

NM_133259.4(LRPPRC):c.1891G>C (p.Glu631Gln)

Gene: LRPPRC (leucine rich pentatricopeptide repeat containing; minus strand). Cytogenetic location: 2p21.
Variant type: single nucleotide variant.
Coding change: c.1891G>C on transcript NM_133259.4 (MANE Select); coding-DNA position 1891, G replaced by C.
Protein change: p.Glu631Gln; replaces glutamic acid 631 with glutamine.
Molecular consequence: missense variant.
Genome position (GRCh38, 1-based): chr2:43,948,151, C>G on the plus strand (G>C on the coding strand, the complement: LRPPRC is on the minus strand). VCF-style: chr2-43948151-C-G. GRCh37 (hg19) VCF-style: chr2-44175290-C-G.
Other names: short protein forms E631Q.
Identifiers: ClinVar variation 4975355 (VCV004975355.1).

ClinVar aggregate classification (germline): Uncertain significance (1 of 4 stars; one submission).

gnomAD v4.1: 21 of 1,606,274 alleles (0.0013%); highest among the groups gnomAD compares: Non-Finnish European, 0.0018%; no homozygotes.

Submission:

GeneDx
Classification: Uncertain significance. Last evaluated: 2026-01-22. Review status: criteria provided, single submitter. Criteria: GeneDx Variant Classification Process June 2021. Collection method: clinical testing. Allele origin: germline.
Comment: Not observed at significant frequency in large population cohorts (gnomAD); In silico analysis suggests that this missense variant does not alter protein structure/function; Has not been previously published as pathogenic or benign to our knowledge